The following is an entry in ClinVar:

ClinVar aggregate classification (germline): Likely benign (1 of 4 stars; one submission).

Submission:

CeGaT Center for Human Genetics Tuebingen
Classification: Likely benign. Last evaluated: 2025-03-01. Review status: criteria provided, single submitter. Criteria: CeGaT Center For Human Genetics Tuebingen Variant Classification Criteria Version 2. Collection method: clinical testing. Allele origin: germline. Affected: yes. Observed: 1 variant allele.
Comment: AIPL1: BP4, BP7

NM_014336.5(AIPL1):c.561G>A (p.Arg187=)

Gene: AIPL1 (AIP like 1 HSP90 co-chaperone; minus strand). Cytogenetic location: 17p13.2.
Variant type: single nucleotide variant.
Coding change: c.561G>A on transcript NM_014336.5 (MANE Select); coding-DNA position 561, G replaced by A.
Protein change: p.Arg187=; no amino-acid change (arginine 187 retained).
Molecular consequence: synonymous variant.
Genome position (GRCh38, 1-based): chr17:6,426,962, C>T on the plus strand (G>A on the coding strand, the complement: AIPL1 is on the minus strand). VCF-style: chr17-6426962-C-T. GRCh37 (hg19) VCF-style: chr17-6330282-C-T.
Other names: c.372G>A, p.Arg124= (NM_001033054.3); c.381G>A, p.Arg127= (NM_001033055.3); c.525G>A, p.Arg175= (NM_001285399.3); c.495G>A, p.Arg165= (NM_001285400.3); c.561G>A, p.Arg187= (NM_001285401.3); c.444G>A, p.Arg148= (NM_001285402.2); c.537G>A, p.Arg179= (NM_001285403.4).
Identifiers: ClinVar variation 3777943 (VCV003777943.7).
Genomic context (GRCh38, chr17:6,426,962, plus strand): 5'-GCAGATGATGGCCTCCTGGTACTTGGAAGAGGCCTCCTCGTAGCGGCCCAGCTTGAAGAG[C>T]CGATTTCCCTCTCCGTGGAGGACGGGCACCGCCTTCATCTTCTCATGATTGCTCAGGTTC-3'
Protein context (NP_055151.3, residues 177-197): AVPVLHGEGN[Arg187=]LFKLGRYEEA